The following is an entry in ClinVar:

NM_003126.4(SPTA1):c.6619C>T (p.Gln2207Ter)

Gene: SPTA1 (spectrin alpha, erythrocytic 1; minus strand). Cytogenetic location: 1q23.1.
Variant type: single nucleotide variant.
Coding change: c.6619C>T on transcript NM_003126.4 (MANE Select); coding-DNA position 6619, C replaced by T.
Protein change: p.Gln2207Ter; replaces glutamine 2207 with a stop codon.
Molecular consequence: nonsense.
Genome position (GRCh38, 1-based): chr1:158,615,385, G>A on the plus strand (C>T on the coding strand, the complement: SPTA1 is on the minus strand). VCF-style: chr1-158615385-G-A. GRCh37 (hg19) VCF-style: chr1-158585175-G-A.
Other names: short protein forms Q2207*.
Identifiers: ClinVar variation 5004988 (VCV005004988.2).

ClinVar aggregate classification (germline): Likely pathogenic (1 of 4 stars; one submission).

Conditions:
Hereditary spherocytosis type 3. Also called: Spherocytosis type 3; SPTA1-Related Spherocytosis. Identifiers: Orphanet 822, MedGen C2678338, MONDO:0010053, OMIM 270970.
Pyropoikilocytosis, hereditary. Also called: Pyropoikilocytosis. Identifiers: MedGen C0520739, MONDO:0009948, OMIM 266140, HP:0004839. Disease mechanism: loss of function.
Elliptocytosis 2 (EL2). Also called: ELLIPTOCYTOSIS, RHESUS-UNLINKED TYPE. Identifiers: Orphanet 288, MedGen C1851741, MONDO:0007533, OMIM 130600.

Submission:

Juno Genomics, Hangzhou Juno Genomics, Inc
Classification: Likely pathogenic for Elliptocytosis 2; Pyropoikilocytosis, hereditary; Hereditary spherocytosis type 3. Review status: criteria provided, single submitter. Criteria: ACMG Guidelines, 2015. Collection method: clinical testing. Allele origin: germline.
Comment: Null variant in a gene where loss of function (LOF) is a known mechanism of disease.;Absent from controls (or at extremely low frequency if recessive) in Genome Aggregation Database.